The following is an entry in ClinVar:

ClinVar aggregate classification (germline): Pathogenic/Likely pathogenic. Review status: criteria provided, multiple submitters, no conflicts (2 of 4 stars). 3 submissions from 3 submitters: Pathogenic (1); Likely pathogenic (1). 1 of the submissions does not count toward it. Last evaluated 2021-08-10.

Conditions:
Inborn genetic diseases. Identifiers: MedGen C0950123, MeSH D030342.
Intellectual disability-hypotonic facies syndrome, X-linked.
Alpha thalassemia-X-linked intellectual disability syndrome (ATRX). Also called: ALPHA-THALASSEMIA/MENTAL RETARDATION SYNDROME, X-LINKED; X-linked alpha-thalassemia-mental retardation syndrome; ATR, NONDELETION TYPE; ALPHA-THALASSEMIA/IMPAIRED INTELLECTUAL DEVELOPMENT SYNDROME, X-LINKED; ATR-X syndrome; Alpha thalassemia mental retardation syndrome, nondeletion type, X-linked. Identifiers: Orphanet 847, MedGen C1845055, MONDO:0010519, OMIM 301040.

Submissions (3):

Women's Health and Genetics/Laboratory Corporation of America, LabCorp
Classification: Likely pathogenic for Alpha thalassemia-X-linked intellectual disability syndrome. Last evaluated: 2021-08-10. Review status: criteria provided, single submitter. Criteria: LabCorp Variant Classification Summary - May 2015. Collection method: clinical testing. Allele origin: germline.
Comment: Variant summary: ATRX c.659G>A (p.Cys220Tyr) results in a non-conservative amino acid change located in the ADD domain (IPR025766) of the encoded protein sequence. Five of five in-silico tools predict a damaging effect of the variant on protein function. The variant was absent in 183067 control chromosomes (gnomAD). c.659G>A has been reported in the literature co-segregating with disease in a family with multiple individuals affected with ATR-X Syndrome (Stevenson_2000). These data indicate that the variant is likely to be associated with disease. To our knowledge, no experimental evidence demonstrating an impact on protein function has been reported. A ClinVar submitter (evaluation after 2014) cites the variant as pathogenic. Based on the evidence outlined above, the variant was classified as likely pathogenic.

Ambry Genetics
Classification: Pathogenic for Inborn genetic diseases. Last evaluated: 2016-06-06. Review status: criteria provided, single submitter. Criteria: Ambry exome assertion method (8-5-2015). Collection method: clinical testing. Allele origin: germline. Affected: yes. Observed: 1 variant allele.

OMIM
Classification: Pathogenic for INTELLECTUAL DISABILITY-HYPOTONIC FACIES SYNDROME, X-LINKED. Last evaluated: 2000-10-23. Review status: no assertion criteria provided. Collection method: literature only. Allele origin: germline. Not counted in ClinVar's aggregate classification.

Literature cited by the submitters: PubMed 11050622 (cited by 3 submitters); PubMed 6711605 (cited by OMIM).

NM_000489.6(ATRX):c.659G>A (p.Cys220Tyr)

Gene: ATRX (ATRX chromatin remodeler; minus strand). Cytogenetic location: Xq21.1.
Variant type: single nucleotide variant.
Coding change: c.659G>A on transcript NM_000489.6 (MANE Select); coding-DNA position 659, G replaced by A.
Protein change: p.Cys220Tyr; replaces cysteine 220 with tyrosine.
Molecular consequence: missense variant.
Genome position (GRCh38, 1-based): chrX:77,684,942, C>T on the plus strand (G>A on the coding strand, the complement: ATRX is on the minus strand). VCF-style: chrX-77684942-C-T. GRCh37 (hg19) VCF-style: chrX-76940434-C-T.
Other names: c.545G>A, p.Cys182Tyr (NM_138270.5); short protein forms C220Y, C182Y.
Identifiers: ClinVar variation 11745 (VCV000011745.7), dbSNP rs122445111, ClinGen allele CA121660.